The following is an entry in ClinVar:

NM_021096.4(CACNA1I):c.1095C>T (p.Tyr365=)

Gene: CACNA1I (calcium voltage-gated channel subunit alpha1 I; plus strand). Cytogenetic location: 22q13.1.
Variant type: single nucleotide variant.
Coding change: c.1095C>T on transcript NM_021096.4 (MANE Select); coding-DNA position 1095, C replaced by T.
Protein change: p.Tyr365=; no amino-acid change (tyrosine 365 retained).
Molecular consequence: synonymous variant.
Genome position (GRCh38, 1-based): chr22:39,642,835, C>T. VCF-style: chr22-39642835-C-T. GRCh37 (hg19) VCF-style: chr22-40038840-C-T.
Other names: c.1095C>T, p.Tyr365= (NM_001003406.2).
Identifiers: ClinVar variation 4980483 (VCV004980483.1).

ClinVar aggregate classification (germline): Likely benign (1 of 4 stars; one submission).

Conditions:
CACNA1I-related disorder. Also called: CACNA1I-related condition.

gnomAD v4.1: 125 of 1,611,764 alleles (0.0078%); highest among the groups gnomAD compares: Middle Eastern, 0.033%; no homozygotes.

Submission:

PreventionGenetics, part of Exact Sciences
Classification: Likely benign for CACNA1I-related condition. Last evaluated: 2026-01-22. Review status: criteria provided, single submitter. Criteria: ACMG Guidelines, 2015. Collection method: clinical testing. Allele origin: germline.
Comment: This variant is classified as likely benign based on ACMG/AMP sequence variant interpretation guidelines (Richards et al. 2015 PMID: 25741868, with internal and published modifications).